The following is an entry in ClinVar:

NM_004064.5(CDKN1B):c.478_479inv (p.Ser160Asp)

Gene: CDKN1B (cyclin dependent kinase inhibitor 1B; plus strand). Cytogenetic location: 12p13.1.
Variant type: Inversion.
Coding change: c.478_479inv on transcript NM_004064.5 (MANE Select).
Protein change: p.Ser160Asp; replaces serine 160 with aspartic acid.
Molecular consequence: missense variant.
Genome position: GRCh38 VCF-style: chr12-12718827-TC-GA. GRCh37 (hg19) VCF-style: chr12-12871761-TC-GA.
Other names: short protein forms S160D.
Identifiers: ClinVar variation 3999751 (VCV003999751.1).

ClinVar aggregate classification (germline): Uncertain significance (1 of 4 stars; one submission).

Conditions:
Hereditary cancer-predisposing syndrome. Also called: Tumor predisposition; Hereditary neoplastic syndrome; Neoplastic Syndromes, Hereditary; Hereditary Cancer Syndrome. Identifiers: Orphanet 140162, MedGen C0027672, MeSH D009386, MONDO:0015356.

Submission:

Ambry Genetics
Classification: Uncertain significance for Hereditary cancer-predisposing syndrome. Last evaluated: 2025-06-10. Review status: criteria provided, single submitter. Criteria: Ambry Variant Classification Scheme 2023. Collection method: clinical testing. Allele origin: germline.
Comment: The c.478_479delTCinsGA variant (also known as p.S160D), located in coding exon 2 of the CDKN1B gene, results from an in-frame deletion of TC and insertion of GA at nucleotide positions 478 to 479. This results in the substitution of the serine residue for an aspartic acid residue at codon 160, an amino acid with similar properties. This amino acid position is not well conserved in available vertebrate species. Based on the available evidence, the clinical significance of this variant remains unclear.